The following is an entry in ClinVar:

ClinVar aggregate classification (germline): Uncertain significance (1 of 4 stars; one submission).

Conditions:
Osteogenesis imperfecta type I (OI1). Also called: Lobstein's Disease; Lobstein disease; OI, TYPE I; OSTEOGENESIS IMPERFECTA TARDA; OSTEOGENESIS IMPERFECTA WITH BLUE SCLERAE; Osteogenesis imperfecta type 1. Identifiers: Orphanet 216796, Orphanet 666, MedGen C0023931, MONDO:0008146, OMIM 166200. Disease mechanism: loss of function.

gnomAD v4.1: 2 of 1,611,702 alleles (0.00012%); highest among the groups gnomAD compares: Non-Finnish European, 0.000085%; no homozygotes.

Submission:

Labcorp Genetics (formerly Invitae), Labcorp
Classification: Uncertain significance for Osteogenesis imperfecta type I. Last evaluated: 2024-02-12. Review status: criteria provided, single submitter. Criteria: Invitae Variant Classification Sherloc (09022015). Collection method: clinical testing. Allele origin: germline.
Comment: This sequence change replaces proline, which is neutral and non-polar, with leucine, which is neutral and non-polar, at codon 807 of the COL1A1 protein (p.Pro807Leu). This variant is not present in population databases (gnomAD no frequency). This variant has not been reported in the literature in individuals affected with COL1A1-related conditions. Advanced modeling of protein sequence and biophysical properties (such as structural, functional, and spatial information, amino acid conservation, physicochemical variation, residue mobility, and thermodynamic stability) has been performed at Invitae for this missense variant, however the output from this modeling did not meet the statistical confidence thresholds required to predict the impact of this variant on COL1A1 protein function. In summary, the available evidence is currently insufficient to determine the role of this variant in disease. Therefore, it has been classified as a Variant of Uncertain Significance.

NM_000088.4(COL1A1):c.2420C>T (p.Pro807Leu)

Gene: COL1A1 (collagen type I alpha 1 chain; minus strand). Cytogenetic location: 17q21.33.
Variant type: single nucleotide variant.
Coding change: c.2420C>T on transcript NM_000088.4 (MANE Select); coding-DNA position 2420, C replaced by T.
Protein change: p.Pro807Leu; replaces proline 807 with leucine.
Molecular consequence: missense variant.
Genome position (GRCh38, 1-based): chr17:50,190,358, G>A on the plus strand (C>T on the coding strand, the complement: COL1A1 is on the minus strand). VCF-style: chr17-50190358-G-A. GRCh37 (hg19) VCF-style: chr17-48267719-G-A.
Other names: short protein forms P807L.
Identifiers: ClinVar variation 3711127 (VCV003711127.2).
Genomic context (GRCh38, chr17:50,190,358, plus strand): 5'-TGAAAAATGATGGGGGTCTTGGTACTCACAGGGGGGCCAGCAAAGCCAGCAGGGCCGGGG[G>A]GACCAGGCTCACCACGGTCTCCCTAGAAGAAAAGGAGTCAGATTGGAGAGATGCGCTGAC-3'
Protein context (NP_000079.2, residues 797-817): GAPGDRGEPG[Pro807Leu]PGPAGFAGPP